The following is an entry in ClinVar:

ClinVar aggregate classification (germline): Likely pathogenic (1 of 4 stars; one submission).

Conditions:
Cone-rod dystrophy 6 (CORD6). Also called: Cone dystrophy progressive; RETINAL CONE DYSTROPHY 2. Identifiers: Orphanet 1872, MedGen C1866293, MONDO:0011143, OMIM 601777.
Leber congenital amaurosis 1 (LCA1). Also called: Congenital absence of the rods and cones; Leber's congenital tapetoretinal degeneration; Leber's congenital tapetoretinal dysplasia; RETINAL BLINDNESS, CONGENITAL; AMAUROSIS CONGENITA OF LEBER I. Identifiers: Orphanet 65, MedGen C2931258, MONDO:0008764, OMIM 204000.

Allele frequency attached by ClinVar (database versions not stated): TOPMed below 0.00001.

Submission:

Labcorp Genetics (formerly Invitae), Labcorp
Classification: Likely pathogenic for Leber congenital amaurosis 1; Cone-rod dystrophy 6. Last evaluated: 2022-04-04. Review status: criteria provided, single submitter. Criteria: Invitae Variant Classification Sherloc (09022015). Collection method: clinical testing. Allele origin: germline.
Comment: This sequence change affects a donor splice site in intron 11 of the GUCY2D gene. It is expected to disrupt RNA splicing. Variants that disrupt the donor or acceptor splice site typically lead to a loss of protein function (PMID: 16199547), and loss-of-function variants in GUCY2D are known to be pathogenic (PMID: 10951519, 11328726). This variant is not present in population databases (gnomAD no frequency). This variant has not been reported in the literature in individuals affected with GUCY2D-related conditions. Algorithms developed to predict the effect of sequence changes on RNA splicing suggest that this variant may disrupt the consensus splice site. In summary, the currently available evidence indicates that the variant is pathogenic, but additional data are needed to prove that conclusively. Therefore, this variant has been classified as Likely Pathogenic.

Literature cited by the submitters: PubMed 16199547; PubMed 10951519; PubMed 11328726.

NM_000180.4(GUCY2D):c.2263+1G>A

Gene: GUCY2D (guanylate cyclase 2D, retinal; plus strand). Cytogenetic location: 17p13.1.
Variant type: single nucleotide variant.
Coding change: c.2263+1G>A on transcript NM_000180.4 (MANE Select); the canonical splice donor site of the intron after coding-DNA position 2263, G replaced by A.
Molecular consequence: splice donor variant.
Genome position (GRCh38, 1-based): chr17:8,013,253, G>A. VCF-style: chr17-8013253-G-A. GRCh37 (hg19) VCF-style: chr17-7916571-G-A.
Identifiers: ClinVar variation 2102919 (VCV002102919.4), dbSNP rs1210713719, ClinGen allele CA397953041.